The following is an entry in ClinVar:

NM_030928.4(CDT1):c.1404A>G (p.Glu468=)

Gene: CDT1 (chromatin licensing and DNA replication factor 1; plus strand). Cytogenetic location: 16q24.3.
Variant type: single nucleotide variant.
Coding change: c.1404A>G on transcript NM_030928.4 (MANE Select); coding-DNA position 1404, A replaced by G.
Protein change: p.Glu468=; no amino-acid change (glutamic acid 468 retained).
Molecular consequence: synonymous variant.
Genome position (GRCh38, 1-based): chr16:88,807,409, A>G. VCF-style: chr16-88807409-A-G. GRCh37 (hg19) VCF-style: chr16-88873817-A-G.
Identifiers: ClinVar variation 5039163 (VCV005039163.1).

ClinVar aggregate classification (germline): Likely benign (1 of 4 stars; one submission).

Submission:

CeGaT Center for Human Genetics Tuebingen
Classification: Likely benign. Last evaluated: 2026-08-01. Review status: criteria provided, single submitter. Criteria: CeGaT Center For Human Genetics Tuebingen Variant Classification Criteria Version 2. Collection method: clinical testing. Allele origin: germline. Affected: yes. Observed: 1 variant allele.
Comment: CDT1: PM2:Supporting, BP4, BP7